The following is an entry in ClinVar:

NM_000135.4(FANCA):c.4167+2C>T

Genes: FANCA (FA complementation group A; minus strand), ZNF276 (zinc finger protein 276; plus strand). Cytogenetic location: 16q24.3.
Variant type: single nucleotide variant.
Coding change: c.4167+2C>T on transcript NM_000135.4 (MANE Select); the canonical splice donor site of the intron after coding-DNA position 4167, C replaced by T.
Molecular consequence: splice donor variant. On other transcripts: missense variant (1), 3 prime UTR variant (2), non-coding transcript variant (4).
Genome position (GRCh38, 1-based): chr16:89,739,131, G>A on the plus strand (C>T on the coding strand, the complement: FANCA is on the minus strand). VCF-style: chr16-89739131-G-A. GRCh37 (hg19) VCF-style: chr16-89805539-G-A.
Other names: c.4169C>T, p.Ala1390Val (NM_001286167.3); c.*885G>A (NM_001113525.2, NM_152287.4); short protein forms A1390V.
Identifiers: ClinVar variation 556738 (VCV000556738.8), dbSNP rs374765708, ClinGen allele CA8250767.

ClinVar aggregate classification (germline): Uncertain significance. Review status: criteria provided, single submitter (1 of 4 stars). 2 submissions from 2 submitters: Uncertain significance (1). 1 of the submissions does not count toward it. Last evaluated 2021-08-18.

Conditions:
Fanconi anemia (FA). Also called: Fanconi's anemia. Identifiers: Orphanet 84, MedGen C0015625, MeSH D005199, MONDO:0019391.
Fanconi anemia complementation group A (FANCA). Also called: Fanconi anemia, group A; FANCA-Related Fanconi Anemia. Identifiers: Orphanet 84, MedGen C3469521, MONDO:0009215, OMIM 227650.

Allele frequency attached by ClinVar (database versions not stated): TOPMed below 0.00001; ExAC 0.00001; gnomAD 0.00001; ESP Exome Variant Server 0.00008.
gnomAD v4.1: 4 of 1,614,022 alleles (0.00025%); highest among the groups gnomAD compares: Non-Finnish European, 0.00034%; no homozygotes.

Submissions (2):

Labcorp Genetics (formerly Invitae), Labcorp
Classification: Uncertain significance for Fanconi anemia. Last evaluated: 2021-08-18. Review status: criteria provided, single submitter. Criteria: Invitae Variant Classification Sherloc (09022015). Collection method: clinical testing. Allele origin: germline.
Comment: This sequence change falls in intron 41 of the FANCA gene. It does not directly change the encoded amino acid sequence of the FANCA protein. It affects a nucleotide within the consensus splice site of the intron. This variant is present in population databases (rs374765708, ExAC 0.002%). This variant has not been reported in the literature in individuals affected with FANCA-related conditions. ClinVar contains an entry for this variant (Variation ID: 556738). Variants that disrupt the consensus splice site are a relatively common cause of aberrant splicing (PMID: 17576681, 9536098). Algorithms developed to predict the effect of sequence changes on RNA splicing suggest that this variant may create or strengthen a splice site. In summary, the available evidence is currently insufficient to determine the role of this variant in disease. Therefore, it has been classified as a Variant of Uncertain Significance.

Counsyl
Classification: Uncertain significance for Fanconi anemia complementation group A. Last evaluated: 2018-02-14. Review status: no assertion criteria provided. Collection method: clinical testing. Allele origin: unknown. Not counted in ClinVar's aggregate classification.

Literature cited by the submitters: PubMed 17576681 (cited by Labcorp Genetics (formerly Invitae), Labcorp); PubMed 9536098 (cited by Labcorp Genetics (formerly Invitae), Labcorp).